The following is an entry in ClinVar:

ClinVar aggregate classification (germline): Uncertain significance. Review status: criteria provided, multiple submitters, no conflicts (2 of 4 stars). 2 submissions from 2 submitters: Uncertain significance (2). Last evaluated 2025-09-02.

Conditions:
Inborn genetic diseases. Identifiers: MedGen C0950123, MeSH D030342.

Allele frequency attached by ClinVar (database versions not stated): ExAC 0.00003; gnomAD 0.00005; TOPMed 0.00006; ESP Exome Variant Server 0.00023.

Submissions (2):

Ambry Genetics
Classification: Uncertain significance for Inborn genetic diseases. Last evaluated: 2025-09-02. Review status: criteria provided, single submitter. Criteria: Ambry Variant Classification Scheme 2023. Collection method: clinical testing. Allele origin: germline.

Labcorp Genetics (formerly Invitae), Labcorp
Classification: Uncertain significance. Last evaluated: 2024-01-20. Review status: criteria provided, single submitter. Criteria: Invitae Variant Classification Sherloc (09022015). Collection method: clinical testing. Allele origin: germline.
Comment: This sequence change replaces alanine, which is neutral and non-polar, with threonine, which is neutral and polar, at codon 403 of the KRT6A protein (p.Ala403Thr). This variant is present in population databases (rs372637888, gnomAD 0.006%). This variant has not been reported in the literature in individuals affected with KRT6A-related conditions. Advanced modeling of protein sequence and biophysical properties (such as structural, functional, and spatial information, amino acid conservation, physicochemical variation, residue mobility, and thermodynamic stability) performed at Invitae indicates that this missense variant is not expected to disrupt KRT6A protein function with a negative predictive value of 80%. In summary, the available evidence is currently insufficient to determine the role of this variant in disease. Therefore, it has been classified as a Variant of Uncertain Significance.

NM_005554.4(KRT6A):c.1207G>A (p.Ala403Thr)

Gene: KRT6A (keratin 6A; minus strand). Cytogenetic location: 12q13.13.
Variant type: single nucleotide variant.
Coding change: c.1207G>A on transcript NM_005554.4 (MANE Select); coding-DNA position 1207, G replaced by A.
Protein change: p.Ala403Thr; replaces alanine 403 with threonine.
Molecular consequence: missense variant.
Genome position (GRCh38, 1-based): chr12:52,488,545, C>T on the plus strand (G>A on the coding strand, the complement: KRT6A is on the minus strand). VCF-style: chr12-52488545-C-T. GRCh37 (hg19) VCF-style: chr12-52882329-C-T.
Other names: c.1207G>A (NM_005554.3); short protein forms A403T.
Identifiers: ClinVar variation 2882942 (VCV002882942.4), dbSNP rs372637888, ClinGen allele CA6581917.
Genomic context (GRCh38, chr12:52,488,545, plus strand): 5'-CATCCTTGAGGGCCATCTCCCCACGCTGCTCAGCATCAGCAATGGCGGCCTGCAGGTTGG[C>T]GCACTGGAAGAGGAAAGGAATAGAAGAAACTTGTCATCCGGTCTTCCAGAGGAGACTAAA-3'
Protein context (NP_005545.1, residues 393-413): SEIDHVKKQC[Ala403Thr]NLQAAIADAE